The following is an entry in ClinVar:

ClinVar aggregate classification (germline): Pathogenic (1 of 4 stars; one submission).

Conditions:
Charcot-Marie-Tooth disease recessive intermediate C. Also called: CHARCOT-MARIE-TOOTH NEUROPATHY, RECESSIVE INTERMEDIATE C. Identifiers: Orphanet 369867, MedGen C3809309, MONDO:0014154, OMIM 615376.
Neuronopathy, distal hereditary motor, autosomal recessive 4. Also called: NEUROPATHY, DISTAL HEREDITARY MOTOR, AUTOSOMAL RECESSIVE 4; Autosomal recessive lower motor neuron disease with childhood onset. Identifiers: Orphanet 206580, MedGen C1970211, MONDO:0012608, OMIM 611067.

Submission:

Labcorp Genetics (formerly Invitae), Labcorp
Classification: Pathogenic for Neuronopathy, distal hereditary motor, autosomal recessive 4; Charcot-Marie-Tooth disease recessive intermediate C. Last evaluated: 2023-10-16. Review status: criteria provided, single submitter. Criteria: Invitae Variant Classification Sherloc (09022015). Collection method: clinical testing. Allele origin: germline.
Comment: This sequence change creates a premature translational stop signal (p.Gln748*) in the PLEKHG5 gene. It is expected to result in an absent or disrupted protein product. Loss-of-function variants in PLEKHG5 are known to be pathogenic (PMID: 17564964, 23777631). This variant is not present in population databases (gnomAD no frequency). This variant has not been reported in the literature in individuals affected with PLEKHG5-related conditions. For these reasons, this variant has been classified as Pathogenic.

Literature cited by the submitters: PubMed 17564964; PubMed 23777631.

NM_020631.6(PLEKHG5):c.2242C>T (p.Gln748Ter)

Gene: PLEKHG5 (pleckstrin homology and RhoGEF domain containing G5; minus strand). Cytogenetic location: 1p36.31.
Variant type: single nucleotide variant.
Coding change: c.2242C>T on transcript NM_020631.6 (MANE Select); coding-DNA position 2242, C replaced by T.
Protein change: p.Gln748Ter; replaces glutamine 748 with a stop codon.
Molecular consequence: nonsense.
Genome position (GRCh38, 1-based): chr1:6,469,049, G>A on the plus strand (C>T on the coding strand, the complement: PLEKHG5 is on the minus strand). VCF-style: chr1-6469049-G-A. GRCh37 (hg19) VCF-style: chr1-6529109-G-A.
Other names: c.2353C>T, p.Gln785Ter (NM_001042663.3, NM_001265592.2); c.2242C>T, p.Gln748Ter (NM_001042664.2, NM_001042665.2, NM_001265594.3 and 1 more transcripts); c.2449C>T, p.Gln817Ter (NM_001265593.2); short protein forms Q817*, Q748*, Q785*.
Identifiers: ClinVar variation 2944622 (VCV002944622.3), dbSNP rs2523127742, ClinGen allele CA338117930.